The following is an entry in ClinVar:

NM_014055.4(IFT81):c.200G>A (p.Ser67Asn)

Gene: IFT81 (intraflagellar transport 81; plus strand). Cytogenetic location: 12q24.11.
Variant type: single nucleotide variant.
Coding change: c.200G>A on transcript NM_014055.4 (MANE Select); coding-DNA position 200, G replaced by A.
Protein change: p.Ser67Asn; replaces serine 67 with asparagine.
Molecular consequence: missense variant. On other transcripts: 5 prime UTR variant (2), non-coding transcript variant (4).
Genome position (GRCh38, 1-based): chr12:110,128,101, G>A. VCF-style: chr12-110128101-G-A. GRCh37 (hg19) VCF-style: chr12-110565906-G-A.
Other names: c.200G>A, p.Ser67Asn (NM_001143779.2, NM_001347946.2, NM_031473.4); c.-567G>A (NM_001347947.2, NM_001347948.2); short protein forms S67N.
Identifiers: ClinVar variation 1721639 (VCV001721639.5), dbSNP rs781329241, ClinGen allele CA386907028.

ClinVar aggregate classification (germline): Uncertain significance (1 of 4 stars; one submission).

gnomAD v4.1: 2 of 1,613,672 alleles (0.00012%); highest among the groups gnomAD compares: Non-Finnish European, 0.00017%; no homozygotes.

Submission:

Labcorp Genetics (formerly Invitae), Labcorp
Classification: Uncertain significance. Last evaluated: 2022-07-21. Review status: criteria provided, single submitter. Criteria: Invitae Variant Classification Sherloc (09022015). Collection method: clinical testing. Allele origin: germline.
Comment: This sequence change replaces serine, which is neutral and polar, with asparagine, which is neutral and polar, at codon 67 of the IFT81 protein (p.Ser67Asn). In summary, the available evidence is currently insufficient to determine the role of this variant in disease. Therefore, it has been classified as a Variant of Uncertain Significance. Algorithms developed to predict the effect of missense changes on protein structure and function output the following: SIFT: "Tolerated"; PolyPhen-2: "Benign"; Align-GVGD: "Class C0". The asparagine amino acid residue is found in multiple mammalian species, which suggests that this missense change does not adversely affect protein function. This variant has not been reported in the literature in individuals affected with IFT81-related conditions. This variant is not present in population databases (gnomAD no frequency).